The following is an entry in ClinVar:

NM_001298.3(CNGA3):c.830G>A (p.Arg277His)

Gene: CNGA3 (cyclic nucleotide gated channel subunit alpha 3; plus strand). Cytogenetic location: 2q11.2.
Variant type: single nucleotide variant.
Coding change: c.830G>A on transcript NM_001298.3 (MANE Select); coding-DNA position 830, G replaced by A.
Protein change: p.Arg277His; replaces arginine 277 with histidine.
Molecular consequence: missense variant.
Genome position (GRCh38, 1-based): chr2:98,396,000, G>A. VCF-style: chr2-98396000-G-A. GRCh37 (hg19) VCF-style: chr2-99012463-G-A.
Other names: c.776G>A, p.Arg259His (NM_001079878.2); short protein forms R277H, R259H.
Identifiers: ClinVar variation 800983 (VCV000800983.62), dbSNP rs778114016, ClinGen allele CA52635286.

ClinVar aggregate classification (germline): Pathogenic. Review status: criteria provided, multiple submitters, no conflicts (2 of 4 stars). 14 submissions from 14 submitters: Pathogenic (13). 1 of the submissions does not count toward it. Last evaluated 2026-02-04.

Conditions:
CNGA3-related disorders.
Retinal dystrophy. Also called: Inherited retinal dystrophy. Identifiers: Orphanet 71862, MedGen C0854723, MeSH D058499, MONDO:0019118, HP:0000556.
Achromatopsia 2 (ACHM2). Also called: ROD MONOCHROMACY 2; ROD MONOCHROMATISM 2; COLORBLINDNESS, TOTAL. Identifiers: Orphanet 49382, MedGen C1857618, MONDO:0009003, OMIM 216900.
CNGA3-related disorder. Also called: CNGA3-related condition.
Achromatopsia. Also called: Rod monochromatism. Identifiers: Orphanet 49382, MedGen C0152200, MONDO:0018852, HP:0011516.

Allele frequency attached by ClinVar (database versions not stated): TOPMed 0.00001; gnomAD 0.00002; gnomAD exomes 0.00002 and 0.00003.

Submissions (14):

PreventionGenetics, part of Exact Sciences
Classification: Pathogenic for CNGA3-related condition. Last evaluated: 2026-02-04. Review status: criteria provided, single submitter. Criteria: ACMG Guidelines, 2015. Collection method: clinical testing. Allele origin: germline.
Comment: The CNGA3 c.830G>A variant is predicted to result in the amino acid substitution p.Arg277His. This variant has been reported in individuals with autosomal recessive complete achromatopsia (see for example: Wissinger et al. 2001. PubMed ID: 11536077; Muraki-Oda et al. 2007. PubMed ID: 17693388; Fahim et al. 2013. PubMed ID: 23972307). Alternate missense changes impacting this amino acid position (p.Arg277Cys, p.Arg277Gly) have also been reported in individauls with achromatopsia (Wissinger et al. 2001. PubMed ID: 11536077; Koeppen et al. 2010. PubMed ID: 20506298). The variant c.830G>A (p.Arg277His) is reported in 0.0044% of alleles in individuals of European (Non-Finnish) descent in gnomAD. This variant is interpreted as pathogenic.

Labcorp Genetics (formerly Invitae), Labcorp
Classification: Pathogenic. Last evaluated: 2025-12-15. Review status: criteria provided, single submitter. Criteria: Invitae Variant Classification Sherloc (09022015). Collection method: clinical testing. Allele origin: germline.
Comment: This sequence change replaces arginine, which is basic and polar, with histidine, which is basic and polar, at codon 277 of the CNGA3 protein (p.Arg277His). This variant is present in population databases (rs778114016, gnomAD 0.006%). This missense change has been observed in individuals with achromatopsia or cone-rod dystrophy (PMID: 11536077, 23972307, 26992781). ClinVar contains an entry for this variant (Variation ID: 800983). Invitae Evidence Modeling of protein sequence and biophysical properties (such as structural, functional, and spatial information, amino acid conservation, physicochemical variation, residue mobility, and thermodynamic stability) indicates that this missense variant is expected to disrupt CNGA3 protein function with a positive predictive value of 95%. Experimental studies have shown that this missense change affects CNGA3 function (PMID: 17693388). For these reasons, this variant has been classified as Pathogenic.

Lab De Baere, Eye and Developmental Genetics Lab, Ghent University
Classification: Pathogenic for Achromatopsia. Last evaluated: 2024-10-01. Review status: criteria provided, single submitter. Criteria: ACMG Guidelines, 2015. Collection method: research. Allele origin: inherited. Affected: yes. Observed: 1 variant allele.
Comment: ACMG/AMP guidelines: PM2, PM5, PS3, PM3_1

Blueprint Genetics
Classification: Pathogenic for CNGA3-related disorders. Last evaluated: 2024-07-30. Review status: criteria provided, single submitter. Criteria: ACMG Guidelines, 2015. Collection method: clinical testing. Allele origin: germline. Affected: yes. Observed: 5 variant alleles.

Fulgent Genetics
Classification: Pathogenic for Achromatopsia 2. Last evaluated: 2024-03-26. Review status: criteria provided, single submitter. Criteria: ACMG Guidelines, 2015. Collection method: clinical testing. Allele origin: germline.

Women's Health and Genetics/Laboratory Corporation of America, LabCorp
Classification: Pathogenic for Achromatopsia 2. Last evaluated: 2024-03-26. Review status: criteria provided, single submitter. Criteria: LabCorp Variant Classification Summary - May 2015. Collection method: clinical testing. Allele origin: germline.
Comment: Variant summary: CNGA3 c.830G>A (p.Arg277His) results in a non-conservative amino acid change located in the Ion transport domain (IPR005821) of the encoded protein sequence. Five of five in-silico tools predict a damaging effect of the variant on protein function. The variant allele was found at a frequency of 2.4e-05 in 251340 control chromosomes (gnomAD). c.830G>A has been reported in the literature in multiple individuals affected with achromatopsia and cone-rod dystrophy (examples: Wissinger_2001, Fahim_2013, Huang_2016). These data indicate that the variant is very likely to be associated with disease. The following publications have been ascertained in the context of this evaluation (PMID: 11536077, 23972307, 26992781). ClinVar contains an entry for this variant (Variation ID: 800983). Based on the evidence outlined above, the variant was classified as pathogenic.

Baylor Genetics
Classification: Pathogenic for Achromatopsia 2. Last evaluated: 2023-07-08. Review status: criteria provided, single submitter. Criteria: ACMG Guidelines, 2015. Collection method: clinical testing. Allele origin: unknown.

Revvity Omics, Revvity
Classification: Pathogenic for Achromatopsia 2. Last evaluated: 2022-12-16. Review status: criteria provided, single submitter. Criteria: ACMG Guidelines, 2015. Collection method: clinical testing. Allele origin: germline.

MGZ Medical Genetics Center
Classification: Pathogenic for Achromatopsia 2. Last evaluated: 2022-07-15. Review status: criteria provided, single submitter. Criteria: ACMG Guidelines, 2015. Collection method: clinical testing. Allele origin: germline. Affected: yes. Observed: 3 variant alleles.
Comment: ACMG criteria applied: PS4, PM1, PM3, PM5, PM2_SUP, PP3

Institute of Human Genetics, Univ. Regensburg, Univ. Regensburg
Classification: Pathogenic for Retinal dystrophy. Last evaluated: 2022-01-01. Review status: criteria provided, single submitter. Criteria: ACMG Guidelines, 2015. Collection method: clinical testing. Allele origin: germline. Affected: yes.

Institute of Medical Genetics and Applied Genomics, University Hospital Tübingen
Classification: Pathogenic. Last evaluated: 2020-10-23. Review status: criteria provided, single submitter. Criteria: ACMG Guidelines, 2015. Collection method: clinical testing. Allele origin: germline. Inheritance: Autosomal recessive inheritance. Affected: yes.

CeGaT Center for Human Genetics Tuebingen
Classification: Pathogenic. Last evaluated: 2017-07-01. Review status: criteria provided, single submitter. Criteria: CeGaT Center For Human Genetics Tuebingen Variant Classification Criteria Version 2. Collection method: clinical testing. Allele origin: germline. Affected: yes. Observed: 1 variant allele.

Kariminejad - Najmabadi Pathology & Genetics Center
Classification: Pathogenic for Achromatopsia 2. Review status: criteria provided, single submitter. Criteria: ACMG Guidelines, 2015. Collection method: clinical testing. Allele origin: germline. Affected: no.

Biochemical Molecular Genetic Laboratory, King Abdulaziz Medical City
Classification: Pathogenic for Achromatopsia 2. Last evaluated: 2019-09-26. Review status: no assertion criteria provided. Collection method: clinical testing. Allele origin: germline. Affected: yes. Not counted in ClinVar's aggregate classification.

Literature cited by the submitters: PubMed 11536077 (cited by 3 submitters); PubMed 23972307 (cited by 3 submitters); PubMed 26992781 (cited by 3 submitters); PubMed 17693388 (cited by Labcorp Genetics (formerly Invitae), Labcorp and Institute of Human Genetics, Univ. Regensburg, Univ. Regensburg); PubMed 31964843 (cited by Institute of Human Genetics, Univ. Regensburg, Univ. Regensburg).